The following is an entry in ClinVar:

NM_172107.4(KCNQ2):c.1086C>G (p.Tyr362Ter)

Gene: KCNQ2 (potassium voltage-gated channel subfamily Q member 2; minus strand). Cytogenetic location: 20q13.33.
Variant type: single nucleotide variant.
Coding change: c.1086C>G on transcript NM_172107.4 (MANE Select); coding-DNA position 1086, C replaced by G.
Protein change: p.Tyr362Ter; replaces tyrosine 362 with a stop codon.
Molecular consequence: nonsense.
Genome position (GRCh38, 1-based): chr20:63,433,841, G>C on the plus strand (C>G on the coding strand, the complement: KCNQ2 is on the minus strand). VCF-style: chr20-63433841-G-C. GRCh37 (hg19) VCF-style: chr20-62065194-G-C.
Other names: c.1086C>G, p.Tyr362Ter (NM_004518.6, NM_172106.3, NM_172108.5 and 1 more transcripts); short protein forms Y362*.
Identifiers: ClinVar variation 530424 (VCV000530424.7), dbSNP rs747376305, ClinGen allele CA409651102.

ClinVar aggregate classification (germline): Pathogenic (1 of 4 stars; one submission).

Conditions:
Early-infantile DEE. Also called: Early infantile epileptic encephalopathy; Early infantile epileptic encephalopathy with suppression bursts; Ohtahara syndrome. Identifiers: Orphanet 1934, MedGen C0393706, MONDO:0800491.

Submission:

Labcorp Genetics (formerly Invitae), Labcorp
Classification: Pathogenic for Early-infantile DEE. Last evaluated: 2020-06-07. Review status: criteria provided, single submitter. Criteria: Invitae Variant Classification Sherloc (09022015). Collection method: clinical testing. Allele origin: germline.
Comment: This sequence change creates a premature translational stop signal (p.Tyr362*) in the KCNQ2 gene. It is expected to result in an absent or disrupted protein product. This variant is not present in population databases (ExAC no frequency). This variant has not been reported in the literature in individuals with KCNQ2-related conditions. ClinVar contains an entry for this variant (Variation ID: 530424). Loss-of-function variants in KCNQ2 are known to be pathogenic (PMID: 14534157, 23692823, 27779742). For these reasons, this variant has been classified as Pathogenic.

Literature cited by the submitters: PubMed 14534157; PubMed 23692823; PubMed 27779742.